The following is an entry in ClinVar:

ClinVar aggregate classification (germline): Uncertain significance (1 of 4 stars; one submission).

Conditions:
Inborn genetic diseases. Identifiers: MedGen C0950123, MeSH D030342.

Submission:

Ambry Genetics
Classification: Uncertain significance for Inborn genetic diseases. Last evaluated: 2021-08-09. Review status: criteria provided, single submitter. Criteria: Ambry Variant Classification Scheme 2023. Collection method: clinical testing. Allele origin: germline.
Comment: The p.A350T variant (also known as c.1048G>A), located in coding exon 5 of the PRDM12 gene, results from a G to A substitution at nucleotide position 1048. The alanine at codon 350 is replaced by threonine, an amino acid with similar properties. This amino acid position is conserved. In addition, this alteration is predicted to be tolerated by in silico analysis. Since supporting evidence is limited at this time, the clinical significance of this alteration remains unclear.

NM_021619.3(PRDM12):c.1048G>A (p.Ala350Thr)

Gene: PRDM12 (PR/SET domain 12; plus strand). Cytogenetic location: 9q34.12.
Variant type: single nucleotide variant.
Coding change: c.1048G>A on transcript NM_021619.3 (MANE Select); coding-DNA position 1048, G replaced by A.
Protein change: p.Ala350Thr; replaces alanine 350 with threonine.
Molecular consequence: missense variant.
Genome position (GRCh38, 1-based): chr9:130,681,613, G>A. VCF-style: chr9-130681613-G-A. GRCh37 (hg19) VCF-style: chr9-133557000-G-A.
Other names: short protein forms A350T.
Identifiers: ClinVar variation 1776098 (VCV001776098.2), dbSNP rs2490750942, ClinGen allele CA375245247.